The following is an entry in ClinVar:

ClinVar aggregate classification (germline): Uncertain significance. Review status: criteria provided, multiple submitters, no conflicts (2 of 4 stars). 5 submissions from 5 submitters: Uncertain significance (5). Last evaluated 2024-06-21.

Conditions:
Inborn genetic diseases. Identifiers: MedGen C0950123, MeSH D030342.
Vici syndrome (VICIS). Identifiers: Orphanet 1493, MedGen C1855772, MONDO:0009452, OMIM 242840.

Allele frequency attached by ClinVar (database versions not stated): TOPMed 0.00004.
gnomAD v4.1: 49 of 1,614,032 alleles (0.003%); highest among the groups gnomAD compares: African/African-American, 0.019%; no homozygotes.

Submissions (5):

Blueprint Genetics
Classification: Uncertain significance. Last evaluated: 2024-06-21. Review status: criteria provided, single submitter. Criteria: ACMG Guidelines, 2015. Collection method: clinical testing. Allele origin: germline.

Ambry Genetics
Classification: Uncertain significance for Inborn genetic diseases. Last evaluated: 2024-03-15. Review status: criteria provided, single submitter. Criteria: Ambry Variant Classification Scheme 2023. Collection method: clinical testing. Allele origin: germline.

Labcorp Genetics (formerly Invitae), Labcorp
Classification: Uncertain significance for Vici syndrome. Last evaluated: 2022-08-23. Review status: criteria provided, single submitter. Criteria: Invitae Variant Classification Sherloc (09022015). Collection method: clinical testing. Allele origin: germline.
Comment: This sequence change replaces glutamic acid, which is acidic and polar, with lysine, which is basic and polar, at codon 1358 of the EPG5 protein (p.Glu1358Lys). This variant is present in population databases (rs775481546, gnomAD 0.02%). This variant has not been reported in the literature in individuals affected with EPG5-related conditions. ClinVar contains an entry for this variant (Variation ID: 218782). Algorithms developed to predict the effect of missense changes on protein structure and function are either unavailable or do not agree on the potential impact of this missense change (SIFT: "Tolerated"; PolyPhen-2: "Probably Damaging"; Align-GVGD: "Class C0"). In summary, the available evidence is currently insufficient to determine the role of this variant in disease. Therefore, it has been classified as a Variant of Uncertain Significance.

Institute for Clinical Genetics, University Hospital TU Dresden, University Hospital TU Dresden
Classification: Uncertain significance. Last evaluated: 2021-11-03. Review status: criteria provided, single submitter. Criteria: ACMG Guidelines, 2015. Collection method: clinical testing. Allele origin: germline.

Genomic Diagnostic Laboratory, Division of Genomic Diagnostics, Children's Hospital of Philadelphia
Classification: Uncertain significance. Last evaluated: 2015-05-05. Review status: criteria provided, single submitter. Criteria: DGD Variant Analysis Guidelines. Collection method: clinical testing. Allele origin: unknown.

NM_020964.3(EPG5):c.4072G>A (p.Glu1358Lys)

Gene: EPG5 (ectopic P-granules 5 autophagy tethering factor; minus strand). Cytogenetic location: 18q21.1.
Variant type: single nucleotide variant.
Coding change: c.4072G>A on transcript NM_020964.3 (MANE Select); coding-DNA position 4072, G replaced by A.
Protein change: p.Glu1358Lys; replaces glutamic acid 1358 with lysine.
Molecular consequence: missense variant.
Genome position (GRCh38, 1-based): chr18:45,910,654, C>T on the plus strand (G>A on the coding strand, the complement: EPG5 is on the minus strand). VCF-style: chr18-45910654-C-T. GRCh37 (hg19) VCF-style: chr18-43490619-C-T.
Other names: c.4072G>A, p.Glu1358Lys (LRG_1234t1); short protein forms E1358K.
Identifiers: ClinVar variation 218782 (VCV000218782.11), dbSNP rs775481546, ClinGen allele CA249026.